The following is an entry in ClinVar:

NM_001165963.4(SCN1A):c.427G>A (p.Val143Met)

Gene: SCN1A (sodium voltage-gated channel alpha subunit 1; minus strand). Cytogenetic location: 2q24.3.
Variant type: single nucleotide variant.
Coding change: c.427G>A on transcript NM_001165963.4 (MANE Select); coding-DNA position 427, G replaced by A.
Protein change: p.Val143Met; replaces valine 143 with methionine.
Molecular consequence: missense variant. On other transcripts: 5 prime UTR variant (1), non-coding transcript variant (1).
Genome position (GRCh38, 1-based): chr2:166,056,457, C>T on the plus strand (G>A on the coding strand, the complement: SCN1A is on the minus strand). VCF-style: chr2-166056457-C-T. GRCh37 (hg19) VCF-style: chr2-166912967-C-T.
Other names: c.427G>A, p.Val143Met (NM_001165964.3, NM_001202435.3, NM_001353948.2 and 10 more transcripts); c.-1999G>A (NM_001353961.2); short protein forms V143M.
Identifiers: ClinVar variation 3373166 (VCV003373166.2).

ClinVar aggregate classification (germline): Uncertain significance. Review status: criteria provided, multiple submitters, no conflicts (2 of 4 stars). 2 submissions from 2 submitters: Uncertain significance (2). Last evaluated 2024-03-02.

gnomAD v4.1: 1 of 1,608,474 alleles (0.000062%); no homozygotes.

Submissions (2):

GeneDx
Classification: Uncertain significance. Last evaluated: 2024-03-02. Review status: criteria provided, single submitter. Criteria: GeneDx Variant Classification Process June 2021. Collection method: clinical testing. Allele origin: germline. Affected: yes.
Comment: Not observed at significant frequency in large population cohorts (gnomAD); In silico analysis supports that this missense variant does not alter protein structure/function; Located within the transmembrane segment S1 of the first homologous domain; Has been reported as a maternally inherited variant in one individual from a cohort of indivdiuals with autism spectrum disorder; no additional patient specific details were provided (PMID: 37007974); This variant is associated with the following publications: (PMID: 37007974)

Blueprint Genetics
Classification: Uncertain significance. Last evaluated: 2022-03-07. Review status: criteria provided, single submitter. Criteria: ACMG Guidelines, 2015. Collection method: clinical testing. Allele origin: germline.